The following is an entry in ClinVar:

ClinVar aggregate classification (germline): Uncertain significance (1 of 4 stars; one submission).

Conditions:
NIK deficiency. Also called: Primary immunodeficiency with multifaceted aberrant lymphoid immunity. Identifiers: Orphanet 447731, MedGen C5680065, MONDO:0018642.

Allele frequency attached by ClinVar (database versions not stated): gnomAD 0.00001; gnomAD exomes 0.00002; ExAC 0.00003; TOPMed 0.00003.

Submission:

Labcorp Genetics (formerly Invitae), Labcorp
Classification: Uncertain significance for NIK deficiency. Last evaluated: 2022-07-12. Review status: criteria provided, single submitter. Criteria: Invitae Variant Classification Sherloc (09022015). Collection method: clinical testing. Allele origin: germline.
Comment: This sequence change replaces alanine, which is neutral and non-polar, with threonine, which is neutral and polar, at codon 623 of the MAP3K14 protein (p.Ala623Thr). This variant is present in population databases (rs778411284, gnomAD 0.004%). This variant has not been reported in the literature in individuals affected with MAP3K14-related conditions. ClinVar contains an entry for this variant (Variation ID: 1441442). Experimental studies and prediction algorithms are not available or were not evaluated, and the functional significance of this variant is currently unknown. In summary, the available evidence is currently insufficient to determine the role of this variant in disease. Therefore, it has been classified as a Variant of Uncertain Significance.

NM_003954.5(MAP3K14):c.1867G>A (p.Ala623Thr)

Gene: MAP3K14 (mitogen-activated protein kinase kinase kinase 14; minus strand). Cytogenetic location: 17q21.31.
Variant type: single nucleotide variant.
Coding change: c.1867G>A on transcript NM_003954.5 (MANE Select); coding-DNA position 1867, G replaced by A.
Protein change: p.Ala623Thr; replaces alanine 623 with threonine.
Molecular consequence: missense variant.
Genome position (GRCh38, 1-based): chr17:45,270,518, C>T on the plus strand (G>A on the coding strand, the complement: MAP3K14 is on the minus strand). VCF-style: chr17-45270518-C-T. GRCh37 (hg19) VCF-style: chr17-43347885-C-T.
Other names: short protein forms A623T.
Identifiers: ClinVar variation 1441442 (VCV001441442.3), dbSNP rs778411284, ClinGen allele CA8613997.
Genomic context (GRCh38, chr17:45,270,518, plus strand): 5'-ACACGCGGTGGATGGGCTCTTTCCTCAGCCCCTCTTGGATGGCCTGGGCTGTGAGAGGGG[C>T]GCAGGAGGGTGGGATCTCCCTCACAGGCGGAGGCTCGCTGGCAATCTGGGGGGCAAAAGA-3'
Protein context (NP_003945.2, residues 613-633): PPVREIPPSC[Ala623Thr]PLTAQAIQEG